The following is an entry in ClinVar:

NM_018127.7(ELAC2):c.1093dup (p.Thr365fs)

Gene: ELAC2 (elaC ribonuclease Z 2; minus strand). Cytogenetic location: 17p12.
Variant type: Duplication.
Coding change: c.1093dup on transcript NM_018127.7 (MANE Select); coding-DNA position 1093, one base duplicated (A; older notation c.1093dupA).
Protein change: p.Thr365fs; shifts the reading frame from threonine 365.
Molecular consequence: frameshift variant.
Genome position (GRCh38, 1-based): chr17:13,002,566, T duplicated on the plus strand (A on the coding strand, the reverse complement: ELAC2 is on the minus strand). VCF-style (leftmost placement, unchanged base first): chr17-13002565-G-GT. GRCh37 (hg19) VCF-style: chr17-12905882-G-GT.
Other names: c.973dup, p.Thr325fs (NM_001165962.2); c.1093dup, p.Thr365fs (NM_173717.2); short protein forms T325fs, T365fs.
Identifiers: ClinVar variation 3715546 (VCV003715546.3).
Genomic context (GRCh38, chr17:13,002,565, plus strand): 5'-ATCTTGTGGCTGCGAAGGTTGTGAACTGAGGCACAGTTCTCATTCAGGACCAAGTGCTGG[G>GT]TGTCAGGCCCAAACCTGTGAAGAAACAGACCCGGCATTTGCAGCGTCTGTTAGGAGGCAG-3'

ClinVar aggregate classification (germline): Pathogenic/Likely pathogenic. Review status: criteria provided, multiple submitters, no conflicts (2 of 4 stars). 2 submissions from 2 submitters: Pathogenic (1); Likely pathogenic (1). Last evaluated 2025-01-14.

Conditions:
Combined oxidative phosphorylation defect type 17. Also called: Combined oxidative phosphorylation deficiency 17. Identifiers: Orphanet 369913, MedGen C3809526, MONDO:0014190, OMIM 615440.
ELAC2-related disorders.

Submissions (2):

Labcorp Genetics (formerly Invitae), Labcorp
Classification: Pathogenic for Combined oxidative phosphorylation defect type 17. Last evaluated: 2025-01-14. Review status: criteria provided, single submitter. Criteria: Invitae Variant Classification Sherloc (09022015). Collection method: clinical testing. Allele origin: germline.
Comment: This sequence change creates a premature translational stop signal (p.Thr365Asnfs*8) in the ELAC2 gene. It is expected to result in an absent or disrupted protein product. Loss-of-function variants in ELAC2 are known to be pathogenic (PMID: 27769300, 31045291). This variant is present in population databases (rs750513653, gnomAD 0.001%). This variant has not been reported in the literature in individuals affected with ELAC2-related conditions. For these reasons, this variant has been classified as Pathogenic.

Blueprint Genetics
Classification: Likely pathogenic for ELAC2-related disorders. Last evaluated: 2023-06-26. Review status: criteria provided, single submitter. Criteria: ACMG Guidelines, 2015. Collection method: clinical testing. Allele origin: germline. Affected: yes. Observed: 1 variant allele.

Literature cited by the submitters: PubMed 27769300 (cited by Labcorp Genetics (formerly Invitae), Labcorp); PubMed 31045291 (cited by Labcorp Genetics (formerly Invitae), Labcorp).